The following is an entry in ClinVar:

ClinVar aggregate classification (germline): Uncertain significance (1 of 4 stars; one submission).

Conditions:
Vici syndrome (VICIS). Identifiers: Orphanet 1493, MedGen C1855772, MONDO:0009452, OMIM 242840.

Submission:

Baylor Genetics
Classification: Uncertain significance for Vici syndrome. Last evaluated: 2020-03-30. Review status: criteria provided, single submitter. Criteria: ACMG Guidelines, 2015. Collection method: clinical testing. Allele origin: unknown. Affected: yes.
Comment: This variant was determined to be of uncertain significance according to ACMG Guidelines, 2015 [PMID:25741868].

NM_020964.3(EPG5):c.4108C>T (p.Leu1370Phe)

Gene: EPG5 (ectopic P-granules 5 autophagy tethering factor; minus strand). Cytogenetic location: 18q21.1.
Variant type: single nucleotide variant.
Coding change: c.4108C>T on transcript NM_020964.3 (MANE Select); coding-DNA position 4108, C replaced by T.
Protein change: p.Leu1370Phe; replaces leucine 1370 with phenylalanine.
Molecular consequence: missense variant.
Genome position (GRCh38, 1-based): chr18:45,910,618, G>A on the plus strand (C>T on the coding strand, the complement: EPG5 is on the minus strand). VCF-style: chr18-45910618-G-A. GRCh37 (hg19) VCF-style: chr18-43490583-G-A.
Other names: short protein forms L1370F.
Identifiers: ClinVar variation 1030741 (VCV001030741.2), dbSNP rs2049869676, ClinGen allele CA402340054.